The following is an entry in ClinVar:

ClinVar aggregate classification (germline): Uncertain significance (1 of 4 stars; one submission).

Conditions:
Primary familial hypertrophic cardiomyopathy (HCM). Identifiers: Orphanet 99739, MedGen C0949658, MeSH D024741, MONDO:0024573. Inheritance: Various modes of inheritance.

Submission:

Labcorp Genetics (formerly Invitae), Labcorp
Classification: Uncertain significance for Primary familial hypertrophic cardiomyopathy. Last evaluated: 2024-06-26. Review status: criteria provided, single submitter. Criteria: Invitae Variant Classification Sherloc (09022015). Collection method: clinical testing. Allele origin: germline.
Comment: This sequence change replaces methionine, which is neutral and non-polar, with leucine, which is neutral and non-polar, at codon 425 of the ILK protein (p.Met425Leu). This variant is not present in population databases (gnomAD no frequency). This variant has not been reported in the literature in individuals affected with ILK-related conditions. An algorithm developed to predict the effect of missense changes on protein structure and function (PolyPhen-2) suggests that this variant is likely to be tolerated. In summary, the available evidence is currently insufficient to determine the role of this variant in disease. Therefore, it has been classified as a Variant of Uncertain Significance.

NM_004517.4(ILK):c.1273A>C (p.Met425Leu)

Genes: TAF10 (TATA-box binding protein associated factor 10; minus strand), ILK (integrin linked kinase; plus strand). Cytogenetic location: 11p15.4.
Variant type: single nucleotide variant.
Coding change: c.1273A>C on transcript NM_004517.4 (MANE Select); coding-DNA position 1273, A replaced by C.
Protein change: p.Met425Leu; replaces methionine 425 with leucine.
Molecular consequence: missense variant. On other transcripts: 3 prime UTR variant (1).
Genome position (GRCh38, 1-based): chr11:6,610,525, A>C. VCF-style: chr11-6610525-A-C. GRCh37 (hg19) VCF-style: chr11-6631756-A-C.
Other names: c.1273A>C, p.Met425Leu (NM_001014794.3, NM_001014795.3); c.1090A>C, p.Met364Leu (NM_001278441.2); c.*397T>G (NM_006284.4); c.871A>C, p.Met291Leu (NM_001278442.2); short protein forms M425L, M291L, M364L.
Identifiers: ClinVar variation 3657973 (VCV003657973.2).
Genomic context (GRCh38, chr11:6,610,525, plus strand): 5'-GCATTGGAAGGCCTTCGGCCTACCATCCCACCAGGTATTTCCCCTCATGTGTGTAAGCTC[A>C]TGAAGATCTGCATGAATGAAGACCCTGCAAAGCGACCCAAATTTGACATGATTGTGCCTA-3'
Protein context (NP_004508.1, residues 415-435): PGISPHVCKL[Met425Leu]KICMNEDPAK